The following is an entry in ClinVar:

NM_000044.6(AR):c.2297C>T (p.Ala766Val)

Gene: AR (androgen receptor; plus strand). Cytogenetic location: Xq12.
Variant type: single nucleotide variant.
Coding change: c.2297C>T on transcript NM_000044.6 (MANE Select); coding-DNA position 2297, C replaced by T.
Protein change: p.Ala766Val; replaces alanine 766 with valine.
Molecular consequence: missense variant.
Genome position (GRCh38, 1-based): chrX:67,717,601, C>T. VCF-style: chrX-67717601-C-T. GRCh37 (hg19) VCF-style: chrX-66937443-C-T.
Other names: c.701C>T, p.Ala234Val (NM_001011645.3); short protein forms A234V, A766V.
Identifiers: ClinVar variation 3759648 (VCV003759648.2).

ClinVar aggregate classification (germline): Uncertain significance (1 of 4 stars; one submission).

Conditions:
Kennedy disease (SMAX1). Also called: SPINAL AND BULBAR MUSCULAR ATROPHY, X-LINKED 1; KENNEDY SPINAL AND BULBAR MUSCULAR ATROPHY; Spinal and Bulbar Muscular Atrophy. Identifiers: Orphanet 481, MedGen C1839259, MONDO:0010735, OMIM 313200.
Androgen resistance syndrome (AIS). Also called: ANDROGEN RECEPTOR DEFICIENCY; DIHYDROTESTOSTERONE RECEPTOR DEFICIENCY; TESTICULAR FEMINIZATION SYNDROME; Androgen insensitivity syndrome; Androgen insensitivity; DHTR DEFICIENCY. Identifiers: Orphanet 754, Orphanet 99429, MedGen C0039585, MONDO:0019154, OMIM 300068. Disease mechanism: loss of function.

Submission:

Labcorp Genetics (formerly Invitae), Labcorp
Classification: Uncertain significance for Kennedy disease; Androgen resistance syndrome. Last evaluated: 2024-08-02. Review status: criteria provided, single submitter. Criteria: Invitae Variant Classification Sherloc (09022015). Collection method: clinical testing. Allele origin: germline.
Comment: This sequence change replaces alanine, which is neutral and non-polar, with valine, which is neutral and non-polar, at codon 766 of the AR protein (p.Ala766Val). This variant is not present in population databases (gnomAD no frequency). This missense change has been observed in individual(s) with clinical features of androgen resistance (PMID: 1458719, 29051026; Invitae). Advanced modeling of protein sequence and biophysical properties (such as structural, functional, and spatial information, amino acid conservation, physicochemical variation, residue mobility, and thermodynamic stability) has been performed at Invitae for this missense variant, however the output from this modeling did not meet the statistical confidence thresholds required to predict the impact of this variant on AR protein function. This variant disrupts the p.ALA766 amino acid residue in AR. Other variant(s) that disrupt this residue have been determined to be pathogenic (PMID: 1307250, 8723113, 9328206, 9856504). This suggests that this residue is clinically significant, and that variants that disrupt this residue are likely to be disease-causing. In summary, the available evidence is currently insufficient to determine the role of this variant in disease. Therefore, it has been classified as a Variant of Uncertain Significance.

Literature cited by the submitters: PubMed 1458719; PubMed 29051026; PubMed 1307250; PubMed 8723113; PubMed 9328206; PubMed 9856504.